The following is an entry in ClinVar:

NM_022051.3(EGLN1):c.461C>A (p.Ser154Ter)

Gene: EGLN1 (egl-9 family hypoxia inducible factor 1; minus strand). Cytogenetic location: 1q42.2.
Variant type: single nucleotide variant.
Coding change: c.461C>A on transcript NM_022051.3 (MANE Select); coding-DNA position 461, C replaced by A.
Protein change: p.Ser154Ter; replaces serine 154 with a stop codon.
Molecular consequence: nonsense.
Genome position (GRCh38, 1-based): chr1:231,421,428, G>T on the plus strand (C>A on the coding strand, the complement: EGLN1 is on the minus strand). VCF-style: chr1-231421428-G-T. GRCh37 (hg19) VCF-style: chr1-231557174-G-T.
Other names: c.461C>A, p.Ser154Ter (NM_001377260.1, NM_001377261.1); short protein forms S154*.
Identifiers: ClinVar variation 649669 (VCV000649669.4), dbSNP rs1018129986, ClinGen allele CA38948756.

ClinVar aggregate classification (germline): Pathogenic (1 of 4 stars; one submission).

Conditions:
Erythrocytosis, familial, 3 (ECYT3). Identifiers: Orphanet 247511, MedGen C1853286, MONDO:0012353, OMIM 609820.

Allele frequency attached by ClinVar (database versions not stated): gnomAD exomes below 0.00001; TOPMed below 0.00001; gnomAD 0.00001.

Submission:

Labcorp Genetics (formerly Invitae), Labcorp
Classification: Pathogenic for Erythrocytosis, familial, 3. Last evaluated: 2025-08-26. Review status: criteria provided, single submitter. Criteria: Invitae Variant Classification Sherloc (09022015). Collection method: clinical testing. Allele origin: germline.
Comment: This sequence change creates a premature translational stop signal (p.Ser154*) in the EGLN1 gene. It is expected to result in an absent or disrupted protein product. Loss-of-function variants in EGLN1 are known to be pathogenic (PMID: 17933562, 21933857). The frequency data for this variant in the population databases is considered unreliable, as metrics indicate poor data quality at this position in the gnomAD database. This premature translational stop signal has been observed in individual(s) with familial erythrocytosis (PMID: 29790589, 35142155). ClinVar contains an entry for this variant (Variation ID: 649669). For these reasons, this variant has been classified as Pathogenic.

Literature cited by the submitters: PubMed 17933562; PubMed 21933857; PubMed 29790589; PubMed 35142155.